The following is an entry in ClinVar:

NM_000368.5(TSC1):c.2874T>C (p.Phe958=)

Gene: TSC1 (TSC complex subunit 1; minus strand). Cytogenetic location: 9q34.13.
Variant type: single nucleotide variant.
Coding change: c.2874T>C on transcript NM_000368.5 (MANE Select); coding-DNA position 2874, T replaced by C.
Protein change: p.Phe958=; no amino-acid change (phenylalanine 958 retained).
Molecular consequence: synonymous variant.
Genome position (GRCh38, 1-based): chr9:132,897,285, A>G on the plus strand (T>C on the coding strand, the complement: TSC1 is on the minus strand). VCF-style: chr9-132897285-A-G. GRCh37 (hg19) VCF-style: chr9-135772672-A-G.
Other names: c.2874T>C (NM_000368.4); c.2871T>C, p.Phe957= (NM_001162426.2); c.2721T>C, p.Phe907= (NM_001162427.2); c.2511T>C, p.Phe837= (NM_001362177.2).
Identifiers: ClinVar variation 1109932 (VCV001109932.11), dbSNP rs2131626672, ClinGen allele CA467812670.

ClinVar aggregate classification (germline): Benign/Likely benign. Review status: criteria provided, multiple submitters, no conflicts (2 of 4 stars). 3 submissions from 3 submitters: Benign (1); Likely benign (2). Last evaluated 2025-08-11.

Conditions:
Hereditary cancer-predisposing syndrome. Also called: Hereditary neoplastic syndrome; Tumor predisposition; Neoplastic Syndromes, Hereditary; Hereditary Cancer Syndrome. Identifiers: Orphanet 140162, MedGen C0027672, MeSH D009386, MONDO:0015356.
Tuberous sclerosis 1 (TSC1). Identifiers: Orphanet 805, MedGen C1854465, MONDO:0008612, OMIM 191100.

Submissions (3):

Labcorp Genetics (formerly Invitae), Labcorp
Classification: Likely benign for Tuberous sclerosis 1. Last evaluated: 2025-08-11. Review status: criteria provided, single submitter. Criteria: Invitae Variant Classification Sherloc (09022015). Collection method: clinical testing. Allele origin: germline.

Myriad Genetics, Inc.
Classification: Benign for Tuberous sclerosis 1. Last evaluated: 2025-04-29. Review status: criteria provided, single submitter. Criteria: Myriad Autosomal Dominant, Autosomal Recessive and X-Linked Classification Criteria (2023). Collection method: clinical testing. Allele origin: unknown.
Comment: This variant is considered benign. This variant is a silent/synonymous amino acid change and it is not expected to impact splicing.

Ambry Genetics
Classification: Likely benign for Hereditary cancer-predisposing syndrome. Last evaluated: 2024-02-06. Review status: criteria provided, single submitter. Criteria: Ambry Variant Classification Scheme 2023. Collection method: clinical testing. Allele origin: germline.